The following is an entry in ClinVar:

ClinVar aggregate classification (germline): Uncertain significance (1 of 4 stars; one submission).

Conditions:
CHARGE syndrome (CHARGE). Also called: Coloboma, heart anomaly, choanal atresia, retardation, genital and ear anomalies; CHARGE association; Hall-Hittner syndrome; Hittner Hirsch Kreh syndrome; CHARGE ASSOCIATION--COLOBOMA, HEART ANOMALY, CHOANAL ATRESIA, RETARDATION, GENITAL AND EAR ANOMALIES. Identifiers: Orphanet 138, MedGen C0265354, MONDO:0008965.

Submission:

Labcorp Genetics (formerly Invitae), Labcorp
Classification: Uncertain significance for CHARGE syndrome. Last evaluated: 2018-10-11. Review status: criteria provided, single submitter. Criteria: Invitae Variant Classification Sherloc (09022015). Collection method: clinical testing. Allele origin: germline.
Comment: In summary, the available evidence is currently insufficient to determine the role of this variant in disease. Therefore, it has been classified as a Variant of Uncertain Significance. Algorithms developed to predict the effect of sequence changes on RNA splicing suggest that this variant may create or strengthen a splice site, but this prediction has not been confirmed by published transcriptional studies. Algorithms developed to predict the effect of missense changes on protein structure and function are either unavailable or do not agree on the potential impact of this missense change (SIFT: "Deleterious"; PolyPhen-2: "Possibly Damaging"; Align-GVGD: "Class C0"). This variant has not been reported in the literature in individuals with CHD7-related disease. This variant is not present in population databases (ExAC no frequency). This sequence change replaces glycine with arginine at codon 2778 of the CHD7 protein (p.Gly2778Arg). The glycine residue is highly conserved and there is a moderate physicochemical difference between glycine and arginine.

NM_017780.4(CHD7):c.8332G>A (p.Gly2778Arg)

Gene: CHD7 (chromodomain helicase DNA binding protein 7; plus strand). Cytogenetic location: 8q12.2.
Variant type: single nucleotide variant.
Coding change: c.8332G>A on transcript NM_017780.4 (MANE Select); coding-DNA position 8332, G replaced by A.
Protein change: p.Gly2778Arg; replaces glycine 2778 with arginine.
Molecular consequence: missense variant.
Genome position (GRCh38, 1-based): chr8:60,865,271, G>A. VCF-style: chr8-60865271-G-A. GRCh37 (hg19) VCF-style: chr8-61777830-G-A.
Other names: c.2185G>A, p.Gly729Arg (NM_001316690.1); short protein forms G729R, G2778R.
Identifiers: ClinVar variation 653124 (VCV000653124.8), dbSNP rs1586467620, ClinGen allele CA371308453.